The following is an entry in ClinVar:

NM_000214.3(JAG1):c.2173dup (p.Asp725fs)

Gene: JAG1 (jagged canonical Notch ligand 1; minus strand). Cytogenetic location: 20p12.2.
Variant type: Duplication.
Coding change: c.2173dup on transcript NM_000214.3 (MANE Select); coding-DNA position 2173, one base duplicated (G; older notation c.2173dupG).
Protein change: p.Asp725fs; shifts the reading frame from aspartic acid 725.
Molecular consequence: frameshift variant.
Genome position (GRCh38, 1-based): chr20:10,645,197, C duplicated on the plus strand (G on the coding strand, the reverse complement: JAG1 is on the minus strand); the first of 5 consecutive C bases (chr20:10,645,197-10,645,201); duplicating any one gives the same sequence. VCF-style (leftmost placement, unchanged base first): chr20-10645196-T-TC. GRCh37 (hg19) VCF-style: chr20-10625844-T-TC.
Other names: p.Asp725Glyfs*4; c.2173dup (NM_000214.2); c.2173dup, p.Asp725fs (LRG_1191t1); short protein forms D725fs.
Identifiers: ClinVar variation 565584 (VCV000565584.13), dbSNP rs1568794128, ClinGen allele CA891844336.

ClinVar aggregate classification (germline): Pathogenic. Review status: criteria provided, multiple submitters, no conflicts (2 of 4 stars). 4 submissions from 4 submitters: Pathogenic (4). Last evaluated 2025-08-11.

Conditions:
Alagille syndrome due to a JAG1 point mutation. Also called: HEPATIC DUCTULAR HYPOPLASIA, SYNDROMATIC; JAG1-Related Alagille Syndrome; Alagille Syndrome 1. Identifiers: Orphanet 261619, Orphanet 52, MedGen C1956125, MONDO:0016862, OMIM 118450.

Submissions (4):

Centre for Inherited Metabolic Diseases, Karolinska University Hospital
Classification: Pathogenic for Alagille syndrome due to a JAG1 point mutation. Last evaluated: 2025-08-11. Review status: criteria provided, single submitter. Criteria: ACMG Guidelines, 2015. Collection method: clinical testing. Allele origin: unknown. Inheritance: Autosomal dominant inheritance. Affected: yes. Observed: 1 heterozygote.
Comment: Used criteria: PVS1, PS4

Mayo Clinic Laboratories, Mayo Clinic
Classification: Pathogenic. Last evaluated: 2025-01-15. Review status: criteria provided, single submitter. Criteria: ACMG Guidelines, 2015. Collection method: clinical testing. Allele origin: germline. Observed: 1 variant allele.
Comment: PM2_supporting, PS4_supporting, PVS1

GeneDx
Classification: Pathogenic. Last evaluated: 2023-09-15. Review status: criteria provided, single submitter. Criteria: GeneDx Variant Classification Process June 2021. Collection method: clinical testing. Allele origin: germline. Affected: yes.
Comment: Frameshift variant predicted to result in protein truncation or nonsense mediated decay in a gene for which loss of function is a known mechanism of disease; Not observed at significant frequency in large population cohorts (gnomAD); This variant is associated with the following publications: (PMID: 31343788, 9585603)

Labcorp Genetics (formerly Invitae), Labcorp
Classification: Pathogenic for Alagille syndrome due to a JAG1 point mutation. Last evaluated: 2020-02-10. Review status: criteria provided, single submitter. Criteria: Invitae Variant Classification Sherloc (09022015). Collection method: clinical testing. Allele origin: germline.
Comment: This sequence change creates a premature translational stop signal (p.Asp725Glyfs*4) in the JAG1 gene. It is expected to result in an absent or disrupted protein product. This variant is not present in population databases (ExAC no frequency). This variant has been reported in an individual affected with Alagille syndrome (PMID: 9585603). This variant is also known as 2587insG in the literature. Loss-of-function variants in JAG1 are known to be pathogenic (PMID: 11180599). For these reasons, this variant has been classified as Pathogenic.

Literature cited by the submitters: PubMed 31343788 (cited by Mayo Clinic Laboratories, Mayo Clinic); PubMed 9585603 (cited by Mayo Clinic Laboratories, Mayo Clinic and Labcorp Genetics (formerly Invitae), Labcorp); PubMed 11180599 (cited by Labcorp Genetics (formerly Invitae), Labcorp).